The following is an entry in ClinVar:

NM_000051.4(ATM):c.2571A>T (p.Leu857=)

Gene: ATM (ATM serine/threonine kinase; plus strand). Cytogenetic location: 11q22.3.
Variant type: single nucleotide variant.
Coding change: c.2571A>T on transcript NM_000051.4 (MANE Select); coding-DNA position 2571, A replaced by T.
Protein change: p.Leu857=; no amino-acid change (leucine 857 retained).
Molecular consequence: synonymous variant.
Genome position (GRCh38, 1-based): chr11:108,267,275, A>T. VCF-style: chr11-108267275-A-T. GRCh37 (hg19) VCF-style: chr11-108138002-A-T.
Other names: c.2571A>T, p.Leu857= (NM_001351834.2).
Identifiers: ClinVar variation 821505 (VCV000821505.9), dbSNP rs1191404395, ClinGen allele CA476673635.

ClinVar aggregate classification (germline): Benign/Likely benign. Review status: criteria provided, multiple submitters, no conflicts (2 of 4 stars). 4 submissions from 4 submitters: Benign (1); Likely benign (3). Last evaluated 2025-05-06.

Conditions:
Familial cancer of breast. Also called: Hereditary breast cancer; hereditary breast carcinoma; BREAST CANCER, FAMILIAL. Identifiers: Orphanet 227535, MedGen C0346153, MONDO:0016419, OMIM 114480. Disease mechanism: loss of function.
Ataxia-telangiectasia syndrome (AT). Also called: Cerebello-oculocutaneous telangiectasia; Immunodeficiency with ataxia telangiectasia; Ataxia-telangiectasia, complementation group E; Ataxia-telangiectasia, complementation group D; AT, COMPLEMENTATION GROUP C; ATAXIA-TELANGIECTASIA, COMPLEMENTATION GROUP A. Identifiers: Orphanet 100, MedGen C0004135, MONDO:0008840, OMIM 208900.
Hereditary cancer-predisposing syndrome. Also called: Hereditary Cancer Syndrome; Neoplastic Syndromes, Hereditary; Hereditary neoplastic syndrome; Tumor predisposition. Identifiers: Orphanet 140162, MedGen C0027672, MeSH D009386, MONDO:0015356.

gnomAD v4.1: 1 of 1,614,156 alleles (0.000062%); highest among the groups gnomAD compares: African/African-American, 0.0013%; no homozygotes.

Submissions (4):

Labcorp Genetics (formerly Invitae), Labcorp
Classification: Likely benign for Ataxia-telangiectasia syndrome. Last evaluated: 2025-05-06. Review status: criteria provided, single submitter. Criteria: Invitae Variant Classification Sherloc (09022015). Collection method: clinical testing. Allele origin: germline.

Myriad Genetics, Inc.
Classification: Benign for Familial cancer of breast. Last evaluated: 2024-05-09. Review status: criteria provided, single submitter. Criteria: Myriad Autosomal Dominant, Autosomal Recessive and X-Linked Classification Criteria (2023). Collection method: clinical testing. Allele origin: unknown.
Comment: This variant is considered benign. This variant is a silent/synonymous amino acid change and it is not expected to impact splicing.

Sema4
Classification: Likely benign for Hereditary cancer-predisposing syndrome. Last evaluated: 2022-03-16. Review status: criteria provided, single submitter. Criteria: Sema4 Curation Guidelines. Collection method: curation. Allele origin: germline.

Ambry Genetics
Classification: Likely benign for Hereditary cancer-predisposing syndrome. Last evaluated: 2018-06-27. Review status: criteria provided, single submitter. Criteria: Ambry Variant Classification Scheme 2023. Collection method: clinical testing. Allele origin: germline.